The following is an entry in ClinVar:

NM_003632.3(CNTNAP1):c.723C>G (p.Ser241Arg)

Gene: CNTNAP1 (contactin associated protein 1; plus strand). Cytogenetic location: 17q21.2.
Variant type: single nucleotide variant.
Coding change: c.723C>G on transcript NM_003632.3 (MANE Select); coding-DNA position 723, C replaced by G.
Protein change: p.Ser241Arg; replaces serine 241 with arginine.
Molecular consequence: missense variant.
Genome position (GRCh38, 1-based): chr17:42,685,964, C>G. VCF-style: chr17-42685964-C-G. GRCh37 (hg19) VCF-style: chr17-40837982-C-G.
Other names: short protein forms S241R.
Identifiers: ClinVar variation 1908967 (VCV001908967.5), dbSNP rs756098225, ClinGen allele CA8581609.

ClinVar aggregate classification (germline): Uncertain significance (1 of 4 stars; one submission).

Allele frequency attached by ClinVar (database versions not stated): ExAC 0.00001; gnomAD exomes 0.00001; TOPMed 0.00002; gnomAD 0.00003.
gnomAD v4.1: 22 of 1,613,996 alleles (0.0014%); highest among the groups gnomAD compares: Non-Finnish European, 0.0019%; no homozygotes.

Submission:

Labcorp Genetics (formerly Invitae), Labcorp
Classification: Uncertain significance. Last evaluated: 2022-08-22. Review status: criteria provided, single submitter. Criteria: Invitae Variant Classification Sherloc (09022015). Collection method: clinical testing. Allele origin: germline.
Comment: In summary, the available evidence is currently insufficient to determine the role of this variant in disease. Therefore, it has been classified as a Variant of Uncertain Significance. Algorithms developed to predict the effect of missense changes on protein structure and function (SIFT, PolyPhen-2, Align-GVGD) all suggest that this variant is likely to be disruptive. This variant has not been reported in the literature in individuals affected with CNTNAP1-related conditions. This variant is present in population databases (rs756098225, gnomAD 0.003%). This sequence change replaces serine, which is neutral and polar, with arginine, which is basic and polar, at codon 241 of the CNTNAP1 protein (p.Ser241Arg).